The following is an entry in ClinVar:

NM_020247.5(COQ8A):c.1445_1446delinsAT (p.Phe482Tyr)

Gene: COQ8A (coenzyme Q8A; plus strand). Cytogenetic location: 1q42.13.
Variant type: Indel.
Coding change: c.1445_1446delinsAT on transcript NM_020247.5 (MANE Select); coding-DNA positions 1445 to 1446, TC replaced by AT.
Protein change: p.Phe482Tyr; replaces phenylalanine 482 with tyrosine.
Molecular consequence: missense variant.
Genome position (GRCh38, 1-based): chr1:226,984,594-226,984,595, TC replaced by AT. VCF-style: chr1-226984594-TC-AT. GRCh37 (hg19) VCF-style: chr1-227172295-TC-AT.
Other names: c.1445_1446delinsAT (NM_020247.4); short protein forms F482Y.
Identifiers: ClinVar variation 1983410 (VCV001983410.3), dbSNP rs2528390554, ClinGen allele CA2580062248.
Genomic context (GRCh38, chr1:226,984,594, plus strand): 5'-CGCGCTGTCCACAGATCTGCTACAACATCCTGGTTCTGTGCCTGAGGGAGCTGTTCGAGT[TC>AT]CACTTCATGCAAACAGACCCCAACTGGTCCAACTTCTTCTATGACCCCCAGCAGCACAAG-3'
Protein context (NP_064632.2, residues 472-492): LVLCLRELFE[Phe482Tyr]HFMQTDPNWS

ClinVar aggregate classification (germline): Uncertain significance. Review status: criteria provided, multiple submitters, no conflicts (2 of 4 stars). 2 submissions from 2 submitters: Uncertain significance (2). Last evaluated 2025-05-27.

Submissions (2):

GeneDx
Classification: Uncertain significance. Last evaluated: 2025-05-27. Review status: criteria provided, single submitter. Criteria: GeneDx Variant Classification Process June 2021. Collection method: clinical testing. Allele origin: germline. Affected: yes.
Comment: In silico analysis supports a deleterious effect on protein structure/function; Has not been previously published as pathogenic or benign to our knowledge

Labcorp Genetics (formerly Invitae), Labcorp
Classification: Uncertain significance. Last evaluated: 2024-01-22. Review status: criteria provided, single submitter. Criteria: Invitae Variant Classification Sherloc (09022015). Collection method: clinical testing. Allele origin: germline.
Comment: This sequence change replaces phenylalanine, which is neutral and non-polar, with tyrosine, which is neutral and polar, at codon 482 of the COQ8A protein (p.Phe482Tyr). This variant is present in population databases (no rsID available, gnomAD 0.003%). This variant has not been reported in the literature in individuals affected with COQ8A-related conditions. ClinVar contains an entry for this variant (Variation ID: 1983410). An algorithm developed to predict the effect of missense changes on protein structure and function (PolyPhen-2) suggests that this variant¬†is likely to be tolerated. In summary, the available evidence is currently insufficient to determine the role of this variant in disease. Therefore, it has been classified as a Variant of Uncertain Significance.